The following is an entry in ClinVar:

NM_182961.4(SYNE1):c.10212G>T (p.Trp3404Cys)

Gene: SYNE1 (spectrin repeat containing nuclear envelope protein 1; minus strand). Cytogenetic location: 6q25.2.
Variant type: single nucleotide variant.
Coding change: c.10212G>T on transcript NM_182961.4 (MANE Select); coding-DNA position 10212, G replaced by T.
Protein change: p.Trp3404Cys; replaces tryptophan 3404 with cysteine.
Molecular consequence: missense variant.
Genome position (GRCh38, 1-based): chr6:152,362,257, C>A on the plus strand (G>T on the coding strand, the complement: SYNE1 is on the minus strand). VCF-style: chr6-152362257-C-A. GRCh37 (hg19) VCF-style: chr6-152683392-C-A.
Other names: p.Trp3411Cys; c.10233G>T, p.Trp3411Cys (NM_033071.5); short protein forms W3404C, W3411C.
Identifiers: ClinVar variation 940849 (VCV000940849.8), dbSNP rs1179568983, ClinGen allele CA366130558.

ClinVar aggregate classification (germline): Uncertain significance. Review status: criteria provided, multiple submitters, no conflicts (2 of 4 stars). 2 submissions from 2 submitters: Uncertain significance (2). Last evaluated 2024-07-17.

Conditions:
Emery-Dreifuss muscular dystrophy 4, autosomal dominant (EDMD4). Also called: EMERY-DREIFUSS MUSCULAR DYSTROPHY 4 WITH VARIABLE FEATURES. Identifiers: Orphanet 261, MedGen C2751807, MONDO:0013071, OMIM 612998.
Autosomal recessive ataxia, Beauce type. Also called: Spinocerebellar ataxia, autosomal recessive 8; ATAXIA, RECESSIVE, OF BEAUCE; SYNE1-Related Autosomal Recessive Cerebellar Ataxia; SYNE1 Deficiency. Identifiers: Orphanet 88644, MedGen C1853116, MONDO:0012549, OMIM 610743.

Allele frequency attached by ClinVar (database versions not stated): gnomAD exomes below 0.00001; TOPMed 0.00002.
gnomAD v4.1: 2 of 1,614,226 alleles (0.00012%); highest among the groups gnomAD compares: Admixed American, 0.0033%; no homozygotes.

Submissions (2):

Mayo Clinic Laboratories, Mayo Clinic
Classification: Uncertain significance. Last evaluated: 2024-07-17. Review status: criteria provided, single submitter. Criteria: ACMG Guidelines, 2015. Collection method: clinical testing. Allele origin: germline. Observed: 2 variant alleles.

Labcorp Genetics (formerly Invitae), Labcorp
Classification: Uncertain significance for Emery-Dreifuss muscular dystrophy 4, autosomal dominant; Autosomal recessive ataxia, Beauce type. Last evaluated: 2022-08-06. Review status: criteria provided, single submitter. Criteria: Invitae Variant Classification Sherloc (09022015). Collection method: clinical testing. Allele origin: germline.
Comment: This sequence change replaces tryptophan, which is neutral and slightly polar, with cysteine, which is neutral and slightly polar, at codon 3411 of the SYNE1 protein (p.Trp3411Cys). This variant is present in population databases (no rsID available, gnomAD 0.003%). This variant has not been reported in the literature in individuals affected with SYNE1-related conditions. ClinVar contains an entry for this variant (Variation ID: 940849). Algorithms developed to predict the effect of missense changes on protein structure and function (SIFT, PolyPhen-2, Align-GVGD) all suggest that this variant is likely to be disruptive. Algorithms developed to predict the effect of sequence changes on RNA splicing suggest that this variant may create or strengthen a splice site. In summary, the available evidence is currently insufficient to determine the role of this variant in disease. Therefore, it has been classified as a Variant of Uncertain Significance.